The following is an entry in ClinVar:

ClinVar aggregate classification (germline): Uncertain significance. Review status: criteria provided, multiple submitters, no conflicts (2 of 4 stars). 2 submissions from 2 submitters: Uncertain significance (2). Last evaluated 2022-10-13.

Allele frequency attached by ClinVar (database versions not stated): gnomAD exomes below 0.00001.
gnomAD v4.1: 8 of 1,614,108 alleles (0.0005%); highest among the groups gnomAD compares: Non-Finnish European, 0.00059%; no homozygotes.

Submissions (2):

Labcorp Genetics (formerly Invitae), Labcorp
Classification: Uncertain significance. Last evaluated: 2022-10-13. Review status: criteria provided, single submitter. Criteria: Invitae Variant Classification Sherloc (09022015). Collection method: clinical testing. Allele origin: germline.
Comment: This sequence change replaces leucine, which is neutral and non-polar, with methionine, which is neutral and non-polar, at codon 261 of the PHYH protein (p.Leu261Met). This variant is present in population databases (no rsID available, gnomAD 0.0009%). This variant has not been reported in the literature in individuals affected with PHYH-related conditions. ClinVar contains an entry for this variant (Variation ID: 935562). Advanced modeling of protein sequence and biophysical properties (such as structural, functional, and spatial information, amino acid conservation, physicochemical variation, residue mobility, and thermodynamic stability) has been performed at Invitae for this missense variant, however the output from this modeling did not meet the statistical confidence thresholds required to predict the impact of this variant on PHYH protein function. In summary, the available evidence is currently insufficient to determine the role of this variant in disease. Therefore, it has been classified as a Variant of Uncertain Significance.

Mayo Clinic Laboratories, Mayo Clinic
Classification: Uncertain significance. Last evaluated: 2020-09-29. Review status: criteria provided, single submitter. Criteria: ACMG Guidelines, 2015. Collection method: clinical testing. Allele origin: germline. Observed: 1 variant allele.

NM_006214.4(PHYH):c.781T>A (p.Leu261Met)

Gene: PHYH (phytanoyl-CoA 2-hydroxylase; minus strand). Cytogenetic location: 10p13.
Variant type: single nucleotide variant.
Coding change: c.781T>A on transcript NM_006214.4 (MANE Select); coding-DNA position 781, T replaced by A.
Protein change: p.Leu261Met; replaces leucine 261 with methionine.
Molecular consequence: missense variant.
Genome position (GRCh38, 1-based): chr10:13,283,737, A>T on the plus strand (T>A on the coding strand, the complement: PHYH is on the minus strand). VCF-style: chr10-13283737-A-T. GRCh37 (hg19) VCF-style: chr10-13325737-A-T.
Other names: c.481T>A, p.Leu161Met (NM_001037537.2, NM_001323080.2); c.787T>A, p.Leu263Met (NM_001323082.2); c.517T>A, p.Leu173Met (NM_001323083.2); c.487T>A, p.Leu163Met (NM_001323084.2); short protein forms L161M, L261M, L263M, L173M, L163M.
Identifiers: ClinVar variation 935562 (VCV000935562.11), dbSNP rs1226629214, ClinGen allele CA376034141.
Genomic context (GRCh38, chr10:13,283,737, plus strand): 5'-TGTGAATGCTTACCTTCCGGAATCCCTGGGTTTTATTCTGACCAGATCCGTGGATGAGCA[A>T]AGGATGGAAGAAAACAGTGTCGCCCTTCTCCATCACCAGGTGCACCCGGGCCTTGTTTTC-3'
Protein context (NP_006205.1, residues 251-271): EKGDTVFFHP[Leu261Met]LIHGSGQNKT